The following is an entry in ClinVar:

NM_001382391.1(CSPP1):c.1843G>C (p.Glu615Gln)

Gene: CSPP1 (centrosome and spindle pole associated protein 1; plus strand). Cytogenetic location: 8q13.2.
Variant type: single nucleotide variant.
Coding change: c.1843G>C on transcript NM_001382391.1 (MANE Select); coding-DNA position 1843, G replaced by C.
Protein change: p.Glu615Gln; replaces glutamic acid 615 with glutamine.
Molecular consequence: missense variant.
Genome position (GRCh38, 1-based): chr8:67,137,471, G>C. VCF-style: chr8-67137471-G-C. GRCh37 (hg19) VCF-style: chr8-68049706-G-C.
Other names: c.946G>C, p.Glu316Gln (NM_001291339.2); c.1762G>C, p.Glu588Gln (NM_001363131.2); c.1801G>C, p.Glu601Gln (NM_001363132.2); c.1720G>C, p.Glu574Gln (NM_001363133.2); c.1909G>C, p.Glu637Gln (NM_001364869.1); c.1729G>C, p.Glu577Gln (NM_001364870.1); c.1828G>C, p.Glu610Gln (NM_024790.7); short protein forms E588Q, E615Q, E637Q, E574Q, E601Q, E316Q, E610Q, E577Q.
Identifiers: ClinVar variation 1361691 (VCV001361691.6), dbSNP rs1822579573, ClinGen allele CA371205274.

ClinVar aggregate classification (germline): Uncertain significance (1 of 4 stars; one submission).

Conditions:
Joubert syndrome 21 (JBTS21). Identifiers: MedGen C3810212, MONDO:0014288, OMIM 615636.

Allele frequency attached by ClinVar (database versions not stated): gnomAD 0.00001.
gnomAD v4.1: 1 of 1,523,932 alleles (0.000066%); highest among the groups gnomAD compares: Admixed American, 0.0019%; no homozygotes.

Submission:

Labcorp Genetics (formerly Invitae), Labcorp
Classification: Uncertain significance for Joubert syndrome 21. Last evaluated: 2021-09-03. Review status: criteria provided, single submitter. Criteria: Invitae Variant Classification Sherloc (09022015). Collection method: clinical testing. Allele origin: germline.
Comment: This sequence change replaces glutamic acid with glutamine at codon 610 of the CSPP1 protein (p.Glu610Gln). The glutamic acid residue is moderately conserved and there is a small physicochemical difference between glutamic acid and glutamine. This variant is not present in population databases (ExAC no frequency). This variant has not been reported in the literature in individuals affected with CSPP1-related conditions. Algorithms developed to predict the effect of missense changes on protein structure and function output the following: SIFT: "Tolerated"; PolyPhen-2: "Benign"; Align-GVGD: "Class C0". The glutamine amino acid residue is found in multiple mammalian species, which suggests that this missense change does not adversely affect protein function. In summary, the available evidence is currently insufficient to determine the role of this variant in disease. Therefore, it has been classified as a Variant of Uncertain Significance.